The following is an entry in ClinVar:

ClinVar aggregate classification (germline): Uncertain significance. Review status: criteria provided, multiple submitters, no conflicts (2 of 4 stars). 2 submissions from 2 submitters: Uncertain significance (2). Last evaluated 2024-07-30.

Conditions:
Inborn genetic diseases. Identifiers: MedGen C0950123, MeSH D030342.
Vici syndrome (VICIS). Identifiers: Orphanet 1493, MedGen C1855772, MONDO:0009452, OMIM 242840.

Allele frequency attached by ClinVar (database versions not stated): gnomAD exomes below 0.00001 and 0.00005; TOPMed 0.00001; gnomAD 0.00003.
gnomAD v4.1: 81 of 1,614,042 alleles (0.005%); highest among the groups gnomAD compares: Non-Finnish European, 0.0066%; no homozygotes.

Submissions (2):

Ambry Genetics
Classification: Uncertain significance for Inborn genetic diseases. Last evaluated: 2024-07-30. Review status: criteria provided, single submitter. Criteria: Ambry Variant Classification Scheme 2023. Collection method: clinical testing. Allele origin: germline.

Labcorp Genetics (formerly Invitae), Labcorp
Classification: Uncertain significance for Vici syndrome. Last evaluated: 2022-06-30. Review status: criteria provided, single submitter. Criteria: Invitae Variant Classification Sherloc (09022015). Collection method: clinical testing. Allele origin: germline.
Comment: This sequence change replaces leucine, which is neutral and non-polar, with phenylalanine, which is neutral and non-polar, at codon 2190 of the EPG5 protein (p.Leu2190Phe). This variant is present in population databases (no rsID available, gnomAD 0.003%). This variant has not been reported in the literature in individuals affected with EPG5-related conditions. ClinVar contains an entry for this variant (Variation ID: 935004). Algorithms developed to predict the effect of missense changes on protein structure and function are either unavailable or do not agree on the potential impact of this missense change (SIFT: "Deleterious"; PolyPhen-2: "Probably Damaging"; Align-GVGD: "Class C0"). In summary, the available evidence is currently insufficient to determine the role of this variant in disease. Therefore, it has been classified as a Variant of Uncertain Significance.

NM_020964.3(EPG5):c.6568C>T (p.Leu2190Phe)

Gene: EPG5 (ectopic P-granules 5 autophagy tethering factor; minus strand). Cytogenetic location: 18q12.3.
Variant type: single nucleotide variant.
Coding change: c.6568C>T on transcript NM_020964.3 (MANE Select); coding-DNA position 6568, C replaced by T.
Protein change: p.Leu2190Phe; replaces leucine 2190 with phenylalanine.
Molecular consequence: missense variant.
Genome position (GRCh38, 1-based): chr18:45,866,851, G>A on the plus strand (C>T on the coding strand, the complement: EPG5 is on the minus strand). VCF-style: chr18-45866851-G-A. GRCh37 (hg19) VCF-style: chr18-43446816-G-A.
Other names: short protein forms L2190F.
Identifiers: ClinVar variation 935004 (VCV000935004.9), dbSNP rs1280775043, ClinGen allele CA402339039.
Genomic context (GRCh38, chr18:45,866,851, plus strand): 5'-AACTTACAAGATGCTTCTGGCTGTCAGTAGGAATAGAAAGGCCCGCAGACACTTTTAGGA[G>A]CTTCATGATTAATTCAGCATAAGATTCTTTTGCCAGGATGATGGACGGCGGGTAATGGCT-3'
Protein context (NP_066015.2, residues 2180-2200): KESYAELIMK[Leu2190Phe]LKVSAGLSIP